The following is an entry in ClinVar:

ClinVar aggregate classification (germline): Uncertain significance. Review status: criteria provided, multiple submitters, no conflicts (2 of 4 stars). 2 submissions from 2 submitters: Uncertain significance (2). Last evaluated 2025-06-08.

Conditions:
Inborn genetic diseases. Identifiers: MedGen C0950123, MeSH D030342.

Allele frequency attached by ClinVar (database versions not stated): TOPMed below 0.00001.

Submissions (3):

GeneDx
Classification: Uncertain significance. Last evaluated: 2025-06-08. Review status: criteria provided, single submitter. Criteria: GeneDx Variant Classification Process June 2021. Collection method: clinical testing. Allele origin: germline. Affected: yes.
Comment: In silico analysis supports that this missense variant has a deleterious effect on protein structure/function; Has not been previously published as pathogenic or benign to our knowledge

Ambry Genetics
Classification: Uncertain significance for Inborn genetic diseases. Last evaluated: 2021-09-16. Review status: criteria provided, single submitter. Criteria: Ambry Variant Classification Scheme 2023. Collection method: clinical testing. Allele origin: germline.

Dr. Peter K. Rogan Lab, Western University
No classification provided (evidence only). Condition: Thyroid cancer, nonmedullary, 1. Review status: no classification provided. Collection method: in vitro. Allele origin: not applicable. Functional consequence: skipped exon. Not counted in ClinVar's aggregate classification.

NM_001039591.3(USP9X):c.3994G>A (p.Ala1332Thr)

Gene: USP9X (ubiquitin specific peptidase 9 X-linked; plus strand). Cytogenetic location: Xp11.4.
Variant type: single nucleotide variant.
Coding change: c.3994G>A on transcript NM_001039591.3 (MANE Select); coding-DNA position 3994, G replaced by A.
Protein change: p.Ala1332Thr; replaces alanine 1332 with threonine.
Molecular consequence: missense variant.
Genome position (GRCh38, 1-based): chrX:41,196,267, G>A. VCF-style: chrX-41196267-G-A. GRCh37 (hg19) VCF-style: chrX-41055520-G-A.
Other names: NC_000023.10:g.41055520G>A; c.3994G>A, p.Ala1332Thr (NM_001039590.3); c.4009G>A, p.Ala1337Thr (NM_001410748.1, NM_001410749.1); short protein forms A1337T, A1332T.
Identifiers: ClinVar variation 2250200 (VCV002250200.5), dbSNP rs1217363666, ClinGen allele CA412772006.